The following is an entry in ClinVar:

NM_022168.4(IFIH1):c.577C>A (p.Leu193Ile)

Gene: IFIH1 (interferon induced with helicase C domain 1; minus strand). Cytogenetic location: 2q24.2.
Variant type: single nucleotide variant.
Coding change: c.577C>A on transcript NM_022168.4 (MANE Select); coding-DNA position 577, C replaced by A.
Protein change: p.Leu193Ile; replaces leucine 193 with isoleucine.
Molecular consequence: missense variant.
Genome position (GRCh38, 1-based): chr2:162,310,810, G>T on the plus strand (C>A on the coding strand, the complement: IFIH1 is on the minus strand). VCF-style: chr2-162310810-G-T. GRCh37 (hg19) VCF-style: chr2-163167320-G-T.
Other names: short protein forms L193I.
Identifiers: ClinVar variation 1928712 (VCV001928712.5), dbSNP rs541721599, ClinGen allele CA59688502.

ClinVar aggregate classification (germline): Uncertain significance (1 of 4 stars; one submission).

Conditions:
Singleton-Merten syndrome 1 (SGMRT1). Also called: Widened medullary cavities of bone, aortic calcification, abnormal dentition, and muscular weakness; Syndrome of widened medullary cavities of the metacarpals and phalanges, aortic calcification and abnormal dentition. Identifiers: Orphanet 85191, MedGen C4225427, MONDO:0024535, OMIM 182250.
Aicardi-Goutieres syndrome 7 (AGS7). Identifiers: Orphanet 51, MedGen C3888244, MONDO:0014367, OMIM 615846.

Allele frequency attached by ClinVar (database versions not stated): gnomAD 0.00001; 1000 Genomes Project 30x 0.00016; 1000 Genomes Project 0.00020.
gnomAD v4.1: 3 of 1,613,788 alleles (0.00019%); highest among the groups gnomAD compares: East Asian, 0.0045%; no homozygotes.

Submission:

Labcorp Genetics (formerly Invitae), Labcorp
Classification: Uncertain significance for Aicardi-Goutieres syndrome 7; Singleton-Merten syndrome 1. Last evaluated: 2024-05-08. Review status: criteria provided, single submitter. Criteria: Invitae Variant Classification Sherloc (09022015). Collection method: clinical testing. Allele origin: germline.
Comment: This sequence change replaces leucine, which is neutral and non-polar, with isoleucine, which is neutral and non-polar, at codon 193 of the IFIH1 protein (p.Leu193Ile). This variant is not present in population databases (gnomAD no frequency). This variant has not been reported in the literature in individuals affected with IFIH1-related conditions. ClinVar contains an entry for this variant (Variation ID: 1928712). Advanced modeling of protein sequence and biophysical properties (such as structural, functional, and spatial information, amino acid conservation, physicochemical variation, residue mobility, and thermodynamic stability) has been performed at Invitae for this missense variant, however the output from this modeling did not meet the statistical confidence thresholds required to predict the impact of this variant on IFIH1 protein function. In summary, the available evidence is currently insufficient to determine the role of this variant in disease. Therefore, it has been classified as a Variant of Uncertain Significance.